The following is an entry in ClinVar:

ClinVar aggregate classification (germline): Conflicting classifications of pathogenicity. Review status: criteria provided, conflicting classifications (1 of 4 stars). 3 submissions from 3 submitters: Uncertain significance (2); Likely benign (1). Last evaluated 2025-08-08.

Allele frequency attached by ClinVar (database versions not stated): TOPMed 0.00003; gnomAD 0.00006 and 0.00007.
gnomAD v4.1: 112 of 1,609,218 alleles (0.007%); highest among the groups gnomAD compares: South Asian, 0.023%; no homozygotes.

Submissions (3):

Ambry Genetics
Classification: Uncertain significance. Last evaluated: 2025-08-08. Review status: criteria provided, single submitter. Criteria: Ambry Variant Classification Scheme 2023. Collection method: clinical testing. Allele origin: germline.

Labcorp Genetics (formerly Invitae), Labcorp
Classification: Uncertain significance. Last evaluated: 2025-07-30. Review status: criteria provided, single submitter. Criteria: Invitae Variant Classification Sherloc (09022015). Collection method: clinical testing. Allele origin: germline.
Comment: This sequence change replaces isoleucine, which is neutral and non-polar, with valine, which is neutral and non-polar, at codon 232 of the PSMA3 protein (p.Ile232Val). This variant is present in population databases (rs774361030, gnomAD 0.03%). This variant has not been reported in the literature in individuals affected with PSMA3-related conditions. ClinVar contains an entry for this variant (Variation ID: 1353276). An algorithm developed to predict the effect of missense changes on protein structure and function outputs the following: PolyPhen-2: "Benign". The valine amino acid residue is found in multiple mammalian species, which suggests that this missense change does not adversely affect protein function. In summary, the available evidence is currently insufficient to determine the role of this variant in disease. Therefore, it has been classified as a Variant of Uncertain Significance.

CeGaT Center for Human Genetics Tuebingen
Classification: Likely benign. Last evaluated: 2025-07-01. Review status: criteria provided, single submitter. Criteria: CeGaT Center For Human Genetics Tuebingen Variant Classification Criteria Version 2. Collection method: clinical testing. Allele origin: germline. Affected: yes. Observed: 2 variant alleles.
Comment: PSMA3: BP4

NM_002788.4(PSMA3):c.694A>G (p.Ile232Val)

Genes: PSMA3 (proteasome 20S subunit alpha 3; plus strand), PSMA3-AS1 (PSMA3 antisense RNA 1; minus strand). Cytogenetic location: 14q23.1.
Variant type: single nucleotide variant.
Coding change: c.694A>G on transcript NM_002788.4 (MANE Select); coding-DNA position 694, A replaced by G.
Protein change: p.Ile232Val; replaces isoleucine 232 with valine.
Molecular consequence: missense variant. On other transcripts: non-coding transcript variant (1).
Genome position (GRCh38, 1-based): chr14:58,270,969, A>G. VCF-style: chr14-58270969-A-G. GRCh37 (hg19) VCF-style: chr14-58737687-A-G.
Other names: c.694A>G (NM_002788.3); c.673A>G, p.Ile225Val (NM_152132.3); short protein forms I225V, I232V.
Identifiers: ClinVar variation 1353276 (VCV001353276.32), dbSNP rs774361030, ClinGen allele CA7203899.